The following is an entry in ClinVar:

ClinVar aggregate classification (germline): Benign/Likely benign. Review status: criteria provided, multiple submitters, no conflicts (2 of 4 stars). 2 submissions from 2 submitters: Benign (1); Likely benign (1). Last evaluated 2026-04-23.

Conditions:
Colorectal cancer, susceptibility to, 1. Also called: COLORECTAL ADENOMA AND CANCER, SUSCEPTIBILITY TO; COLORECTAL CANCER, SUSCEPTIBILITY TO, ON CHROMOSOME 9. Identifiers: MedGen C1837315, MONDO:0012132, OMIM 608812.

gnomAD v4.1: 1 of 1,614,158 alleles (0.000062%); highest among the groups gnomAD compares: Non-Finnish European, 0.000085%; no homozygotes.

Submissions (2):

Myriad Genetics, Inc.
Classification: Benign for Colorectal cancer, susceptibility to, 1. Last evaluated: 2026-04-23. Review status: criteria provided, single submitter. Criteria: Myriad Autosomal Dominant, Autosomal Recessive and X-Linked Classification Criteria (2023). Collection method: clinical testing. Allele origin: unknown.
Comment: This variant is considered benign. This variant is a silent/synonymous amino acid change and it is not expected to impact splicing.

Ambry Genetics
Classification: Likely benign. Last evaluated: 2025-01-13. Review status: criteria provided, single submitter. Criteria: Ambry Variant Classification Scheme 2023. Collection method: clinical testing. Allele origin: germline.

NM_024642.5(GALNT12):c.474T>C (p.Ser158=)

Gene: GALNT12 (polypeptide N-acetylgalactosaminyltransferase 12; plus strand). Cytogenetic location: 9q22.33.
Variant type: single nucleotide variant.
Coding change: c.474T>C on transcript NM_024642.5 (MANE Select); coding-DNA position 474, T replaced by C.
Protein change: p.Ser158=; no amino-acid change (serine 158 retained).
Molecular consequence: synonymous variant.
Genome position (GRCh38, 1-based): chr9:98,823,358, T>C. VCF-style: chr9-98823358-T-C. GRCh37 (hg19) VCF-style: chr9-101585640-T-C.
Identifiers: ClinVar variation 3852666 (VCV003852666.2).
Genomic context (GRCh38, chr9:98,823,358, plus strand): 5'-ATCTGTTATCATAGCATTTTATAATGAAGCCTGGTCAACTCTCCTTCGGACAGTTTACAG[T>C]GTCCTTGAGACATCCCCGGATATCCTGCTAGAAGAAGTGATCCTTGTAGATGACTACAGT-3'
Protein context (NP_078918.3, residues 148-168): AWSTLLRTVY[Ser158=]VLETSPDILL